The following is an entry in ClinVar:

ClinVar aggregate classification (germline): Uncertain significance (1 of 4 stars; one submission).

Conditions:
Congenital sideroblastic anemia-B-cell immunodeficiency-periodic fever-developmental delay syndrome. Also called: Sideroblastic anemia with B-cell immunodeficiency, periodic fevers, and developmental delay. Identifiers: Orphanet 369861, MedGen C4015172, MONDO:0014487, OMIM 616084.

Submission:

Labcorp Genetics (formerly Invitae), Labcorp
Classification: Uncertain significance for Congenital sideroblastic anemia-B-cell immunodeficiency-periodic fever-developmental delay syndrome. Last evaluated: 2024-02-08. Review status: criteria provided, single submitter. Criteria: Invitae Variant Classification Sherloc (09022015). Collection method: clinical testing. Allele origin: germline.
Comment: This sequence change replaces lysine, which is basic and polar, with glutamic acid, which is acidic and polar, at codon 317 of the TRNT1 protein (p.Lys317Glu). Information on the frequency of this variant in the gnomAD database is not available, as this variant may be reported differently in the database. This variant has not been reported in the literature in individuals affected with TRNT1-related conditions. ClinVar contains an entry for this variant (Variation ID: 1041707). Experimental studies and prediction algorithms are not available or were not evaluated, and the functional significance of this variant is currently unknown. In summary, the available evidence is currently insufficient to determine the role of this variant in disease. Therefore, it has been classified as a Variant of Uncertain Significance.

NM_182916.3(TRNT1):c.948_949delinsGG (p.Lys317Glu)

Gene: TRNT1 (tRNA nucleotidyl transferase 1; plus strand). Cytogenetic location: 3p26.2.
Variant type: Indel.
Coding change: c.948_949delinsGG on transcript NM_182916.3 (MANE Select); coding-DNA positions 948 to 949, AA replaced by GG.
Protein change: p.Lys317Glu; replaces lysine 317 with glutamic acid.
Molecular consequence: missense variant. On other transcripts: non-coding transcript variant (8).
Genome position (GRCh38, 1-based): chr3:3,147,595-3,147,596, AA replaced by GG. VCF-style: chr3-3147595-AA-GG. GRCh37 (hg19) VCF-style: chr3-3189279-AA-GG.
Other names: c.888_889delinsGG, p.Lys297Glu (NM_001302946.2); c.948_949delinsGG, p.Lys317Glu (NM_001367321.1, NM_001367322.1, NM_001367323.1); short protein forms K297E, K317E.
Identifiers: ClinVar variation 1041707 (VCV001041707.3), dbSNP rs1706130150, ClinGen allele CA1341470142.